The following is an entry in ClinVar:

ClinVar aggregate classification (germline): Benign/Likely benign. Review status: criteria provided, multiple submitters, no conflicts (2 of 4 stars). 3 submissions from 3 submitters: Benign (1); Likely benign (2). Last evaluated 2026-02-03.

Conditions:
Progressive sclerosing poliodystrophy (MTDPS4A). Also called: ALPERS PROGRESSIVE INFANTILE POLIODYSTROPHY; NEURONAL DEGENERATION OF CHILDHOOD WITH LIVER DISEASE, PROGRESSIVE; Alpers-Huttenlocher Syndrome (AHS); Alpers Syndrome; Mitochondrial DNA Depletion Syndrome 4A; ALPERS DIFFUSE DEGENERATION OF CEREBRAL GRAY MATTER WITH HEPATIC CIRRHOSIS. Identifiers: Orphanet 726, MedGen C0205710, MONDO:0008758, OMIM 203700.

Allele frequency attached by ClinVar (database versions not stated): TOPMed 0.00006; 1000 Genomes Project 30x 0.00047; 1000 Genomes Project 0.00060; gnomAD 0.00080 and 0.00085.
gnomAD v4.1: 651 of 1,608,372 alleles (0.04%); highest among the groups gnomAD compares: African/African-American, 0.0067%; 7 homozygotes.

Submissions (3):

Labcorp Genetics (formerly Invitae), Labcorp
Classification: Benign for Progressive sclerosing poliodystrophy. Last evaluated: 2026-02-03. Review status: criteria provided, single submitter. Criteria: Invitae Variant Classification Sherloc (09022015). Collection method: clinical testing. Allele origin: germline.

Eurofins Ntd Llc (ga)
Classification: Likely benign. Last evaluated: 2017-11-20. Review status: criteria provided, single submitter. Criteria: EGL Classification Definitions 2015. Collection method: clinical testing. Allele origin: germline. Observed: 1 variant allele, 1 heterozygote.

GeneDx
Classification: Likely benign. Last evaluated: 2016-09-22. Review status: criteria provided, single submitter. Criteria: GeneDx Variant Classification (06012015). Collection method: clinical testing. Allele origin: germline. Affected: yes.
Comment: This variant is considered likely benign or benign based on one or more of the following criteria: it is a conservative change, it occurs at a poorly conserved position in the protein, it is predicted to be benign by multiple in silico algorithms, and/or has population frequency not consistent with disease.

NM_002693.3(POLG):c.2165G>A (p.Arg722His)

Gene: POLG (DNA polymerase gamma, catalytic subunit; minus strand). Cytogenetic location: 15q26.1.
Variant type: single nucleotide variant.
Coding change: c.2165G>A on transcript NM_002693.3 (MANE Select); coding-DNA position 2165, G replaced by A.
Protein change: p.Arg722His; replaces arginine 722 with histidine.
Molecular consequence: missense variant.
Genome position (GRCh38, 1-based): chr15:89,323,504, C>T on the plus strand (G>A on the coding strand, the complement: POLG is on the minus strand). VCF-style: chr15-89323504-C-T. GRCh37 (hg19) VCF-style: chr15-89866735-C-T.
Other names: c.2165G>A, p.Arg722His (NM_001126131.2); short protein forms R722H.
Identifiers: ClinVar variation 381518 (VCV000381518.14), dbSNP rs185645212, ClinGen allele CA7724556.